The following is an entry in ClinVar:

NM_178335.3(CCDC50):c.1105G>T (p.Asp369Tyr)

Gene: CCDC50 (coiled-coil domain containing 50; plus strand). Cytogenetic location: 3q28.
Variant type: single nucleotide variant.
Coding change: c.1105G>T on transcript NM_178335.3 (MANE Select); coding-DNA position 1105, G replaced by T.
Protein change: p.Asp369Tyr; replaces aspartic acid 369 with tyrosine.
Molecular consequence: missense variant.
Genome position (GRCh38, 1-based): chr3:191,380,699, G>T. VCF-style: chr3-191380699-G-T. GRCh37 (hg19) VCF-style: chr3-191098488-G-T.
Other names: c.577G>T, p.Asp193Tyr (NM_174908.4); short protein forms D193Y, D369Y.
Identifiers: ClinVar variation 3027427 (VCV003027427.1), dbSNP rs2474061950, ClinGen allele CA355766593.

ClinVar aggregate classification (germline): Uncertain significance (1 of 4 stars; one submission).

Conditions:
Autosomal dominant nonsyndromic hearing loss 44. Identifiers: Orphanet 90635, MedGen C1843895, MONDO:0011832, OMIM 607453.

Allele frequency attached by ClinVar (database versions not stated): gnomAD exomes below 0.00001.
gnomAD v4.1: 1 of 1,612,590 alleles (0.000062%); highest among the groups gnomAD compares: Non-Finnish European, 0.000085%; no homozygotes.

Submission:

Human Genetics Bochum, Ruhr University Bochum
Classification: Uncertain significance for Autosomal dominant nonsyndromic hearing loss 44. Last evaluated: 2023-04-13. Review status: criteria provided, single submitter. Criteria: ACMG Guidelines, 2015. Collection method: clinical testing. Allele origin: germline. Affected: yes.
Comment: ACMG criteria used to clasify this variant: PM2_SUP, PP3